The following is an entry in ClinVar:

ClinVar aggregate classification (germline): Uncertain significance (1 of 4 stars; one submission).

Submission:

Labcorp Genetics (formerly Invitae), Labcorp
Classification: Uncertain significance. Last evaluated: 2022-07-21. Review status: criteria provided, single submitter. Criteria: Invitae Variant Classification Sherloc (09022015). Collection method: clinical testing. Allele origin: germline.
Comment: In summary, the available evidence is currently insufficient to determine the role of this variant in disease. Therefore, it has been classified as a Variant of Uncertain Significance. This variant has not been reported in the literature in individuals affected with CTNNA1-related conditions. This variant is not present in population databases (gnomAD no frequency). This sequence change creates a premature translational stop signal (p.Glu806*) in the CTNNA1 gene. While this is not anticipated to result in nonsense mediated decay, it is expected to disrupt the last 101 amino acid(s) of the CTNNA1 protein.

NM_001903.5(CTNNA1):c.2416G>T (p.Glu806Ter)

Gene: CTNNA1 (catenin alpha 1; plus strand). Cytogenetic location: 5q31.2.
Variant type: single nucleotide variant.
Coding change: c.2416G>T on transcript NM_001903.5 (MANE Select); coding-DNA position 2416, G replaced by T.
Protein change: p.Glu806Ter; replaces glutamic acid 806 with a stop codon.
Molecular consequence: nonsense. On other transcripts: intron variant (1).
Genome position (GRCh38, 1-based): chr5:138,932,695, G>T. VCF-style: chr5-138932695-G-T. GRCh37 (hg19) VCF-style: chr5-138268384-G-T.
Other names: c.2416G>T, p.Glu806Ter (NM_001290307.3, NM_001323982.2, NM_001323983.1 and 2 more transcripts); c.2107G>T, p.Glu703Ter (NM_001290309.3); c.2047G>T, p.Glu683Ter (NM_001290310.3); c.1306G>T, p.Glu436Ter (NM_001290312.1, NM_001323987.1, NM_001323998.1 and 16 more transcripts); c.2323G>T, p.Glu775Ter (NM_001323986.2); c.967G>T, p.Glu323Ter (NM_001324006.1, NM_001324007.1, NM_001324008.1 and 2 more transcripts); c.1213G>T, p.Glu405Ter (NM_001324011.1); c.1063G>T, p.Glu355Ter (NM_001324012.1, NM_001324013.1); and 1 more; short protein forms E355*, E703*, E775*, E806*, E323*, E436*, E405*, E683*.
Identifiers: ClinVar variation 2018550 (VCV002018550.4), dbSNP rs2533915185, ClinGen allele CA361134539.